The following is an entry in ClinVar:

NM_178452.6(DNAAF1):c.1243A>T (p.Thr415Ser)

Gene: DNAAF1 (dynein axonemal assembly factor 1; plus strand). Cytogenetic location: 16q24.1.
Variant type: single nucleotide variant.
Coding change: c.1243A>T on transcript NM_178452.6 (MANE Select); coding-DNA position 1243, A replaced by T.
Protein change: p.Thr415Ser; replaces threonine 415 with serine.
Molecular consequence: missense variant.
Genome position (GRCh38, 1-based): chr16:84,170,071, A>T. VCF-style: chr16-84170071-A-T. GRCh37 (hg19) VCF-style: chr16-84203677-A-T.
Other names: c.535A>T, p.Thr179Ser (NM_001318756.1); short protein forms T179S, T415S.
Identifiers: ClinVar variation 1758821 (VCV001758821.2), dbSNP rs764480347, ClinGen allele CA8202803.

ClinVar aggregate classification (germline): Uncertain significance (1 of 4 stars; one submission).

Conditions:
Primary ciliary dyskinesia. Also called: Ciliary dyskinesia. Identifiers: Orphanet 244, MedGen C0008780, MONDO:0016575, HP:0012265.

gnomAD v4.1: 2 of 1,613,396 alleles (0.00012%); highest among the groups gnomAD compares: Non-Finnish European, 0.00017%; no homozygotes.

Submission:

Ambry Genetics
Classification: Uncertain significance for Primary ciliary dyskinesia. Last evaluated: 2020-11-17. Review status: criteria provided, single submitter. Criteria: Ambry Variant Classification Scheme 2023. Collection method: clinical testing. Allele origin: germline.
Comment: The p.T415S variant (also known as c.1243A>T), located in coding exon 8 of the DNAAF1 gene, results from an A to T substitution at nucleotide position 1243. The threonine at codon 415 is replaced by serine, an amino acid with similar properties. This amino acid position is poorly conserved in available vertebrate species. In addition, this alteration is predicted to be tolerated by in silico analysis. Since supporting evidence is limited at this time, the clinical significance of this alteration remains unclear.